The following is an entry in ClinVar:

NM_007294.4(BRCA1):c.1838G>A (p.Arg613Lys)

Gene: BRCA1 (BRCA1 DNA repair associated; minus strand). Cytogenetic location: 17q21.31.
Variant type: single nucleotide variant.
Coding change: c.1838G>A on transcript NM_007294.4 (MANE Select); coding-DNA position 1838, G replaced by A.
Protein change: p.Arg613Lys; replaces arginine 613 with lysine.
Molecular consequence: missense variant. On other transcripts: intron variant (137).
Genome position (GRCh38, 1-based): chr17:43,093,693, C>T on the plus strand (G>A on the coding strand, the complement: BRCA1 is on the minus strand). VCF-style: chr17-43093693-C-T. GRCh37 (hg19) VCF-style: chr17-41245710-C-T.
Other names: c.1715G>A, p.Arg572Lys (NM_001407681.1, NM_001407682.1, NM_001407683.1 and 19 more transcripts); c.1838G>A, p.Arg613Lys (NM_001407684.1, NM_001407854.1, NM_001407858.1 and 30 more transcripts); c.1712G>A, p.Arg571Lys (NM_001407685.1, NM_001407686.1, NM_001407687.1 and 11 more transcripts); c.1697G>A, p.Arg566Lys (NM_001407692.1, NM_001407694.1, NM_001407695.1 and 29 more transcripts); c.1694G>A, p.Arg565Lys (NM_001407740.1, NM_001407741.1, NM_001407742.1 and 20 more transcripts); c.1625G>A, p.Arg542Lys (NM_001407853.1, NM_001407894.1, NM_001407895.1 and 9 more transcripts); c.1835G>A, p.Arg612Lys (NM_001407860.1, NM_001407861.1, NM_001407587.1 and 22 more transcripts); c.1637G>A, p.Arg546Lys (NM_001407862.1); and 40 more; short protein forms R613K, R566K, R485K, R501K, R586K, R587K, R610K, R317K.
Identifiers: ClinVar variation 187705 (VCV000187705.23), dbSNP rs786203937, ClinGen allele CA001198.

ClinVar aggregate classification (germline): Conflicting classifications of pathogenicity. Review status: criteria provided, conflicting classifications (1 of 4 stars). 5 submissions from 5 submitters: Uncertain significance (4); Likely benign (1). Last evaluated 2025-10-27.

Conditions:
Hereditary cancer-predisposing syndrome. Also called: Neoplastic Syndromes, Hereditary; Tumor predisposition; Hereditary Cancer Syndrome; Hereditary neoplastic syndrome. Identifiers: Orphanet 140162, MedGen C0027672, MeSH D009386, MONDO:0015356.
Hereditary breast ovarian cancer syndrome. Also called: Hereditary breast and ovarian cancer; Hereditary breast and/or ovarian cancer syndrome; BRCA1- and BRCA2-Associated Hereditary Breast and Ovarian Cancer; Hereditary breast and ovarian cancer syndrome (HBOC); Hereditary breast and ovarian cancer syndrome; Breast and ovarian cancer. Identifiers: Orphanet 145, MedGen C0677776, MeSH D061325, MONDO:0003582. Disease mechanism: loss of function.

Allele frequency attached by ClinVar (database versions not stated): gnomAD exomes below 0.00001 and 0.00001; TOPMed below 0.00001.
gnomAD v4.1: 2 of 1,614,070 alleles (0.00012%); highest among the groups gnomAD compares: Admixed American, 0.0033%; no homozygotes.

Submissions (5):

Ambry Genetics
Classification: Uncertain significance for Hereditary cancer-predisposing syndrome. Last evaluated: 2025-10-27. Review status: criteria provided, single submitter. Criteria: Ambry Variant Classification Scheme 2023. Collection method: clinical testing. Allele origin: germline.
Comment: The p.R613K variant (also known as c.1838G>A), located in coding exon 9 of the BRCA1 gene, results from a G to A substitution at nucleotide position 1838. The arginine at codon 613 is replaced by lysine, an amino acid with highly similar properties. This variant has been detected in multiple unrelated patients with breast and/or ovarian cancer (Mannan AU et al. J Hum Genet, 2016 Jun;61:515-22; Singh J et al. Breast Cancer Res Treat, 2018 Jul;170:189-196). This amino acid position is not well conserved in available vertebrate species. In addition, the in silico prediction for this alteration is inconclusive. Since supporting evidence is limited at this time, the clinical significance of this alteration remains unclear.

Labcorp Genetics (formerly Invitae), Labcorp
Classification: Uncertain significance for Hereditary breast ovarian cancer syndrome. Last evaluated: 2024-09-22. Review status: criteria provided, single submitter. Criteria: Invitae Variant Classification Sherloc (09022015). Collection method: clinical testing. Allele origin: germline.
Comment: This sequence change replaces arginine, which is basic and polar, with lysine, which is basic and polar, at codon 613 of the BRCA1 protein (p.Arg613Lys). This variant is present in population databases (rs786203937, gnomAD 0.006%). This missense change has been observed in individual(s) with breast and/or ovarian cancer (PMID: 26911350, 29470806). ClinVar contains an entry for this variant (Variation ID: 187705). Invitae Evidence Modeling of protein sequence and biophysical properties (such as structural, functional, and spatial information, amino acid conservation, physicochemical variation, residue mobility, and thermodynamic stability) indicates that this missense variant is not expected to disrupt BRCA1 protein function with a negative predictive value of 95%. In summary, the available evidence is currently insufficient to determine the role of this variant in disease. Therefore, it has been classified as a Variant of Uncertain Significance.

Quest Diagnostics Nichols Institute San Juan Capistrano
Classification: Uncertain significance. Last evaluated: 2023-05-12. Review status: criteria provided, single submitter. Criteria: Quest Diagnostics criteria. Collection method: clinical testing. Allele origin: unknown.
Comment: The frequency of this variant in the general population, 0.000008 (2/251084 chromosomes), is uninformative in assessment of its pathogenicity. In the published literature, the variant has been reported in at least one individual/family with breast and/or ovarian cancer (PMIDs: 26911350 (2016) and 29470806 (2018)). Analysis of this variant using bioinformatics tools for the prediction of the effect of amino acid changes on protein structure and function yielded conflicting predictions that this variant is benign or damaging. Based on the available information, we are unable to determine the clinical significance of this variant.

University of Washington Department of Laboratory Medicine, University of Washington
Classification: Likely benign for Hereditary cancer-predisposing syndrome. Last evaluated: 2023-03-23. Review status: criteria provided, single submitter. Criteria: Dines et al. (Genet Med. 2020). Collection method: curation. Allele origin: germline.
Comment: Missense variant in a coldspot region where missense variants are very unlikely to be pathogenic (PMID:31911673).

BRCA1 coldspot (exon 11 using historical exon numbering). Reclassification based on statistical prior probability

Color Diagnostics, LLC DBA Color Health
Classification: Uncertain significance for Hereditary cancer-predisposing syndrome. Last evaluated: 2019-05-16. Review status: criteria provided, single submitter. Criteria: ACMG Guidelines, 2015. Collection method: clinical testing. Allele origin: germline.

Literature cited by the submitters: PubMed 26911350 (cited by 3 submitters); PubMed 29470806 (cited by 3 submitters); PubMed 31911673 (cited by Quest Diagnostics Nichols Institute San Juan Capistrano).